The following is an entry in ClinVar:

NM_007294.4(BRCA1):c.3629_3630del (p.Glu1210fs)

Genes: BRCA1 (BRCA1 DNA repair associated; minus strand), LOC126862571 (BRD4-independent group 4 enhancer GRCh37_chr17:41243136-41244335; plus strand). Cytogenetic location: 17q21.31.
Variant type: Microsatellite.
Coding change: c.3629_3630del on transcript NM_007294.4 (MANE Select); coding-DNA positions 3629 to 3630, 2 bases deleted (AG; older notation c.3629_3630delAG).
Protein change: p.Glu1210fs; shifts the reading frame from glutamic acid 1210.
Molecular consequence: frameshift variant. On other transcripts: intron variant (135).
Genome position (GRCh38, 1-based): chr17:43,091,901-43,091,902, CT deleted on the plus strand (AG on the coding strand, the reverse complement: BRCA1 is on the minus strand); deleting any 2 consecutive bases within chr17:43,091,901-43,091,904 gives the same sequence; the c. name uses the placement nearest the transcript's 3' end. VCF-style (leftmost placement, unchanged base first): chr17-43091900-ACT-A. GRCh37 (hg19) VCF-style: chr17-41243917-ACT-A.
Other names: 3748delAG; c.521-870_521-869del (NM_001408503.1, NM_001408505.1, NM_001408504.1); c.524-870_524-869del (NM_001408500.1, NM_001408497.1, NM_001408496.1 and 3 more transcripts); c.647-870_647-869del (NM_001408466.1, NM_001408452.1, NM_001408457.1 and 11 more transcripts); c.788-870_788-869del (NM_001407973.1, NM_001408403.1, NM_001407983.1 and 17 more transcripts); c.404-870_404-869del (NM_001408511.1); c.461-870_461-869del (NM_001408507.1, NM_001408506.1); c.545-870_545-869del (NM_001408495.1); and 44 more; short protein forms E1210fs, E1163fs, E1142fs, E1169fs, E1082fs, E1122fs, E1139fs, E1184fs.
Identifiers: ClinVar variation 54947 (VCV000054947.9), dbSNP rs80357589, ClinGen allele CA002325.
Genomic context (GRCh38, chr17:43,091,900, plus strand): 5'-ATAACAAGTGTTGGAAGCAGGGAAGCTCTTCATCCTCACTAGATAAGTTCTCTTCTGAGG[ACT>A]CTAATTTCTTGGCCCCTCTTCGGTAACCCTGAGCCAAATGTGTATGGGTGAAAGGGCTAG-3'

ClinVar aggregate classification (germline): Pathogenic. Review status: reviewed by expert panel (3 of 4 stars). 4 submissions from 4 submitters: Pathogenic (1). 3 of the submissions do not count toward it. Last evaluated 2016-09-08.

Conditions:
Hereditary cancer-predisposing syndrome. Also called: Hereditary Cancer Syndrome; Hereditary neoplastic syndrome; Neoplastic Syndromes, Hereditary; Tumor predisposition. Identifiers: Orphanet 140162, MedGen C0027672, MeSH D009386, MONDO:0015356.
Breast-ovarian cancer, familial, susceptibility to, 1 (BROVCA1). Also called: BRCA1 Hereditary Breast and Ovarian Cancer; OVARIAN CANCER, SUSCEPTIBILITY TO. Identifiers: Orphanet 145, MedGen C2676676, MONDO:0011450, OMIM 604370. Disease mechanism: loss of function.

Submissions (4):

Evidence-based Network for the Interpretation of Germline Mutant Alleles (ENIGMA)
Classification: Pathogenic for Breast-ovarian cancer, familial, susceptibility to, 1. Last evaluated: 2016-09-08. Review status: reviewed by expert panel. Criteria: ENIGMA BRCA1/2 Classification Criteria (2015). Collection method: curation. Allele origin: germline.
Comment: Variant allele predicted to encode a truncated non-functional protein.

Department of Molecular Diagnostics, Institute of Oncology Ljubljana
Classification: Pathogenic for Breast-ovarian cancer, familial, susceptibility to, 1. Last evaluated: 2020-04-02. Review status: criteria provided, single submitter. Criteria: ACMG Guidelines, 2015. Collection method: clinical testing. Allele origin: germline. Affected: yes. Not counted in ClinVar's aggregate classification.

Color Diagnostics, LLC DBA Color Health
Classification: Pathogenic for Hereditary cancer-predisposing syndrome. Last evaluated: 2020-01-15. Review status: criteria provided, single submitter. Criteria: ACMG Guidelines, 2015. Collection method: clinical testing. Allele origin: germline. Not counted in ClinVar's aggregate classification.
Comment: This variant deletes 2 nucleotides in exon 10 of the BRCA1 gene, creating a frameshift and premature translation stop signal. This variant is expected to result in an absent or non-functional protein product. This variant has not been identified in the general population by the Genome Aggregation Database (gnomAD). Loss of BRCA1 function is a known mechanism of disease. Based on the available evidence, this variant is classified as Pathogenic.

Breast Cancer Information Core (BIC) (BRCA1)
Classification: Pathogenic for Breast-ovarian cancer, familial 1. Last evaluated: 2007-01-08. Review status: no assertion criteria provided. Collection method: clinical testing. Allele origin: unknown. Affected: yes. Observed: 1 variant allele. Not counted in ClinVar's aggregate classification.